The following is an entry in ClinVar:

NM_024577.4(SH3TC2):c.*16395G>T

Gene: SH3TC2 (SH3 domain and tetratricopeptide repeats 2; minus strand). Cytogenetic location: 5q32.
Variant type: single nucleotide variant.
Coding change: c.*16395G>T on transcript NM_024577.4 (MANE Select); 16395 bases downstream of the stop codon, G replaced by T.
Molecular consequence: 3 prime UTR variant.
Genome position (GRCh38, 1-based): chr5:148,988,316, C>A on the plus strand (G>T on the coding strand, the complement: SH3TC2 is on the minus strand). VCF-style: chr5-148988316-C-A. GRCh37 (hg19) VCF-style: chr5-148367879-C-A.
Identifiers: ClinVar variation 905548 (VCV000905548.4), dbSNP rs116508083, ClinGen allele CA128986559.

ClinVar aggregate classification (germline): Likely benign. Review status: criteria provided, single submitter (1 of 4 stars). 2 submissions from 1 submitter: Likely benign (2). Last evaluated 2018-01-13.

Conditions:
Susceptibility to mononeuropathy of the median nerve, mild. Also called: CARPAL TUNNEL SYNDROME, SUSCEPTIBILITY TO. Identifiers: MedGen C3150596, MONDO:0013237, OMIM 613353.
Charcot-Marie-Tooth disease type 4C (CMT4C). Also called: CHARCOT-MARIE-TOOTH DISEASE, DEMYELINATING, TYPE 4C; SH3TC2-Related Hereditary Motor and Sensory Neuropathy; Charcot-Marie-Tooth Neuropathy Type 4C (CMT4C); CHARCOT-MARIE-TOOTH DISEASE, DEMYELINATING, AUTOSOMAL RECESSIVE, TYPE 4C; CMT 4C. Identifiers: Orphanet 99949, MedGen C1866636, MONDO:0011113, OMIM 601596.

Allele frequency attached by ClinVar (database versions not stated): 1000 Genomes Project 0.00319; 1000 Genomes Project 30x 0.00390; TOPMed 0.00543; gnomAD 0.00559 and 0.00567.
gnomAD v4.1: 851 of 152,248 alleles (0.56%); highest among the groups gnomAD compares: Non-Finnish European, 0.85%; 2 homozygotes.

Submissions (2):

Illumina Laboratory Services, Illumina
Classification: Likely benign for Susceptibility to mononeuropathy of the median nerve, mild. Last evaluated: 2018-01-13. Review status: criteria provided, single submitter. Criteria: ICSL Variant Classification Criteria 13 December 2019. Collection method: clinical testing. Allele origin: germline.
Comment: This variant was observed in the ICSL laboratory as part of a predisposition screen in an ostensibly healthy population. It had not been previously curated by ICSL or reported in the Human Gene Mutation Database (HGMD: prior to June 1st, 2018), and was therefore a candidate for classification through an automated scoring system. Utilizing variant allele frequency, disease prevalence and penetrance estimates, and inheritance mode, an automated score was calculated to assess if this variant is too frequent to cause the disease. Based on the score and internal cut-off values, a variant classified as likely benign is not then subjected to further curation. The score for this variant resulted in a classification of likely benign for this disease.

Illumina Laboratory Services, Illumina
Classification: Likely benign for Charcot-Marie-Tooth disease type 4C. Last evaluated: 2018-01-13. Review status: criteria provided, single submitter. Criteria: ICSL Variant Classification Criteria 13 December 2019. Collection method: clinical testing. Allele origin: germline.
Comment: the same text as in the submission from Illumina Laboratory Services, Illumina above.